The following is an entry in ClinVar:

NM_001256545.2(MEGF10):c.2407del (p.Asp803fs)

Gene: MEGF10 (multiple EGF like domains 10; plus strand). Cytogenetic location: 5q23.2.
Variant type: Deletion.
Coding change: c.2407del on transcript NM_001256545.2 (MANE Select); coding-DNA position 2407, one base deleted (G; older notation c.2407delG).
Protein change: p.Asp803fs; shifts the reading frame from aspartic acid 803.
Molecular consequence: frameshift variant.
Genome position (GRCh38, 1-based): chr5:127,443,042, G deleted. VCF-style (leftmost placement, unchanged base first): chr5-127443041-TG-T. GRCh37 (hg19) VCF-style: chr5-126778733-TG-T.
Other names: c.2407del, p.Asp803fs (NM_032446.3); short protein forms D803fs.
Identifiers: ClinVar variation 422705 (VCV000422705.2), dbSNP rs1064795948, ClinGen allele CA16618106.
Genomic context (GRCh38, chr5:127,443,041, plus strand): 5'-TGACTTTCCTTCTCTAGAGTGCCCTTCAGGAACATATGGCTATGGCTGTCGCCAGATATG[TG>T]ATTGTCTGAACAACTCCACCTGCGACCACATCACTGGGACCTGTTACTGCAGCCCCGGAT-3'

ClinVar aggregate classification (germline): Likely pathogenic (1 of 4 stars; one submission).

Submission:

GeneDx
Classification: Likely pathogenic. Last evaluated: 2016-11-21. Review status: criteria provided, single submitter. Criteria: GeneDx Variant Classification (06012015). Collection method: clinical testing. Allele origin: germline. Affected: yes.
Comment: The c.2407delG variant in the MEGF10 gene has not been reported previously as a pathogenic variant, nor as a benign variant, to our knowledge. The c.2407delG variant causes a frameshift starting with codon Aspartic acid 803, changes this amino acid to a Isoleucine residue, and creates a premature Stop codon at position 3 of the new reading frame, denoted p.Asp803IlefsX3. This variant is predicted to cause loss of normal protein function either through protein truncation or nonsense-mediated mRNA decay. The c.2407delG variant was not observed in approximately 6,500 individuals of European and African American ancestry in the NHLBI Exome Sequencing Project, indicating it is not a common benign variant in these populations. Therefore, we interpret c.2407delG as a likely pathogenic variant.